The following is an entry in ClinVar:

ClinVar aggregate classification (germline): Pathogenic (1 of 4 stars; one submission).

Submission:

GeneDx
Classification: Pathogenic. Last evaluated: 2025-04-22. Review status: criteria provided, single submitter. Criteria: GeneDx Variant Classification Process June 2021. Collection method: clinical testing. Allele origin: germline. Affected: yes.
Comment: Reported in a patient with OI type II; however, additional clinical information was not provided (PMID: 17078022); Not observed at significant frequency in large population cohorts (gnomAD); Occurs in the triple helical domain and replaces a glycine in a canonical Gly-X-Y repeat; missense substitution of a canonical glycine residue is expected to disrupt normal protein folding and function, and this is an established mechanism of disease (PMID: 34007986); In silico analysis supports that this missense variant has a deleterious effect on protein structure/function; Also known as p.(G892V); This variant is associated with the following publications: (PMID: 34007986, 17078022)

NM_000089.4(COL1A2):c.2945G>T (p.Gly982Val)

Gene: COL1A2 (collagen type I alpha 2 chain; plus strand). Cytogenetic location: 7q21.3.
Variant type: single nucleotide variant.
Coding change: c.2945G>T on transcript NM_000089.4 (MANE Select); coding-DNA position 2945, G replaced by T.
Protein change: p.Gly982Val; replaces glycine 982 with valine.
Molecular consequence: missense variant.
Genome position (GRCh38, 1-based): chr7:94,425,999, G>T. VCF-style: chr7-94425999-G-T. GRCh37 (hg19) VCF-style: chr7-94055311-G-T.
Other names: short protein forms G982V.
Identifiers: ClinVar variation 4527757 (VCV004527757.1).